The following is an entry in ClinVar:

ClinVar aggregate classification (germline): Pathogenic (1 of 4 stars; one submission).

Conditions:
Combined immunodeficiency due to LRBA deficiency. Also called: Common variable immunodeficiency 8, with autoimmunity. Identifiers: Orphanet 445018, MedGen C3553512, MONDO:0013863, OMIM 614700.

gnomAD v4.1: 1 of 1,613,116 alleles (0.000062%); highest among the groups gnomAD compares: Non-Finnish European, 0.000085%; no homozygotes.

Submission:

Labcorp Genetics (formerly Invitae), Labcorp
Classification: Pathogenic for Combined immunodeficiency due to LRBA deficiency. Last evaluated: 2025-12-12. Review status: criteria provided, single submitter. Criteria: Invitae Variant Classification Sherloc (09022015). Collection method: clinical testing. Allele origin: germline.
Comment: This sequence change creates a premature translational stop signal (p.Trp869*) in the LRBA gene. It is expected to result in an absent or disrupted protein product. Loss-of-function variants in LRBA are known to be pathogenic (PMID: 26206937, 26768763). This variant is not present in population databases (gnomAD no frequency). This variant has not been reported in the literature in individuals affected with LRBA-related conditions. Algorithms developed to predict the effect of sequence changes on RNA splicing suggest that this variant may disrupt the consensus splice site. For these reasons, this variant has been classified as Pathogenic.

Literature cited by the submitters: PubMed 26206937; PubMed 26768763.

NM_001364905.1(LRBA):c.2606G>A (p.Trp869Ter)

Gene: LRBA (LPS responsive beige-like anchor protein; minus strand). Cytogenetic location: 4q31.3.
Variant type: single nucleotide variant.
Coding change: c.2606G>A on transcript NM_001364905.1 (MANE Select); coding-DNA position 2606, G replaced by A.
Protein change: p.Trp869Ter; replaces tryptophan 869 with a stop codon.
Molecular consequence: nonsense.
Genome position (GRCh38, 1-based): chr4:150,867,831, C>T on the plus strand (G>A on the coding strand, the complement: LRBA is on the minus strand). VCF-style: chr4-150867831-C-T. GRCh37 (hg19) VCF-style: chr4-151788983-C-T.
Other names: c.2606G>A, p.Trp869Ter (NM_001199282.3, NM_001367550.1, NM_001440430.1 and 2 more transcripts); short protein forms W869*.
Identifiers: ClinVar variation 4732565 (VCV004732565.1).